The following is an entry in ClinVar:

NM_177438.3(DICER1):c.113A>G (p.His38Arg)

Gene: DICER1 (dicer 1, ribonuclease III; minus strand). Cytogenetic location: 14q32.13.
Variant type: single nucleotide variant.
Coding change: c.113A>G on transcript NM_177438.3 (MANE Select); coding-DNA position 113, A replaced by G.
Protein change: p.His38Arg; replaces histidine 38 with arginine.
Molecular consequence: missense variant.
Genome position (GRCh38, 1-based): chr14:95,133,346, T>C on the plus strand (A>G on the coding strand, the complement: DICER1 is on the minus strand). VCF-style: chr14-95133346-T-C. GRCh37 (hg19) VCF-style: chr14-95599683-T-C.
Other names: c.113A>G, p.His38Arg (NM_001195573.1, NM_001271282.3, NM_001291628.2 and 1 more transcripts); short protein forms H38R.
Identifiers: ClinVar variation 818418 (VCV000818418.15), dbSNP rs1595468669, ClinGen allele CA390890444.
Genomic context (GRCh38, chr14:95,133,346, plus strand): 5'-TGCTCCAGTATTAGTGTTCGCATTAGTACCTGATATTTTCTTGGCGTATAAATGTTATCA[T>C]GAATTGCTTCTTGTTGCCATGGCAGTCCAAAGAAAGGACCCATTGGTGAGGAAGCAGGGG-3'
Protein context (NP_803187.1, residues 28-48): FGLPWQQEAI[His38Arg]DNIYTPRKYQ

ClinVar aggregate classification (germline): Uncertain significance. Review status: criteria provided, multiple submitters, no conflicts (2 of 4 stars). 3 submissions from 3 submitters: Uncertain significance (3). Last evaluated 2025-12-17.

Conditions:
Global developmental delay - lung cysts - overgrowth - Wilms tumor syndrome. Also called: GLOBAL DEVELOPMENTAL DELAY, LUNG CYSTS, OVERGROWTH, AND WILMS TUMOR; GLOW Syndrome. Identifiers: Orphanet 404476, MedGen C4748924, MONDO:0018445, OMIM 618272.
DICER1-related tumor predisposition. Also called: DICER1-related pleuropulmonary blastoma cancer predisposition syndrome; DICER1 syndrome. Identifiers: Orphanet 284343, MedGen C3839822, MONDO:0100216.
Hereditary cancer-predisposing syndrome. Also called: Hereditary Cancer Syndrome; Neoplastic Syndromes, Hereditary; Hereditary neoplastic syndrome; Tumor predisposition. Identifiers: Orphanet 140162, MedGen C0027672, MeSH D009386, MONDO:0015356.

Allele frequency attached by ClinVar (database versions not stated): gnomAD exomes below 0.00001.
gnomAD v4.1: 2 of 1,614,168 alleles (0.00012%); highest among the groups gnomAD compares: East Asian, 0.0022%; no homozygotes.

Submissions (3):

Labcorp Genetics (formerly Invitae), Labcorp
Classification: Uncertain significance for DICER1-related tumor predisposition. Last evaluated: 2025-12-17. Review status: criteria provided, single submitter. Criteria: Invitae Variant Classification Sherloc (09022015). Collection method: clinical testing. Allele origin: germline.
Comment: This sequence change replaces histidine, which is basic and polar, with arginine, which is basic and polar, at codon 38 of the DICER1 protein (p.His38Arg). This variant is not present in population databases (gnomAD no frequency). This variant has not been reported in the literature in individuals affected with DICER1-related conditions. ClinVar contains an entry for this variant (Variation ID: 818418). Invitae Evidence Modeling of protein sequence and biophysical properties (such as structural, functional, and spatial information, amino acid conservation, physicochemical variation, residue mobility, and thermodynamic stability) indicates that this missense variant is not expected to disrupt DICER1 protein function with a negative predictive value of 95%. In summary, the available evidence is currently insufficient to determine the role of this variant in disease. Therefore, it has been classified as a Variant of Uncertain Significance.

Baylor Genetics
Classification: Uncertain significance for Global developmental delay - lung cysts - overgrowth - Wilms tumor syndrome. Last evaluated: 2024-03-22. Review status: criteria provided, single submitter. Criteria: ACMG Guidelines, 2015. Collection method: clinical testing. Allele origin: unknown.

Ambry Genetics
Classification: Uncertain significance for Hereditary cancer-predisposing syndrome. Last evaluated: 2024-02-16. Review status: criteria provided, single submitter. Criteria: Ambry Variant Classification Scheme 2023. Collection method: clinical testing. Allele origin: germline.
Comment: The p.H38R variant (also known as c.113A>G), located in coding exon 1 of the DICER1 gene, results from an A to G substitution at nucleotide position 113. The histidine at codon 38 is replaced by arginine, an amino acid with highly similar properties. This amino acid position is highly conserved in available vertebrate species. In addition, the in silico prediction for this alteration is inconclusive. Based on the available evidence, the clinical significance of this alteration remains unclear.